The following is an entry in ClinVar:

ClinVar aggregate classification (germline): Uncertain significance. Review status: criteria provided, multiple submitters, no conflicts (2 of 4 stars). 3 submissions from 3 submitters: Uncertain significance (3). Last evaluated 2019-06-14.

Conditions:
Inborn genetic diseases. Identifiers: MedGen C0950123, MeSH D030342.

Allele frequency attached by ClinVar (database versions not stated): gnomAD exomes 0.00008 and 0.00021; ExAC 0.00028; 1000 Genomes Project 30x 0.00031; 1000 Genomes Project 0.00040; TOPMed 0.00067; gnomAD 0.00071 and 0.00074; ESP Exome Variant Server 0.00092.
gnomAD v4.1: 237 of 1,613,856 alleles (0.015%); highest among the groups gnomAD compares: African/African-American, 0.22%; 2 homozygotes.

Submissions (3):

Genetic Services Laboratory, University of Chicago
Classification: Uncertain significance. Last evaluated: 2019-06-14. Review status: criteria provided, single submitter. Criteria: ACMG Guidelines, 2015. Collection method: clinical testing. Allele origin: germline. Affected: no.

Ambry Genetics
Classification: Uncertain significance for Inborn genetic diseases. Last evaluated: 2018-04-24. Review status: criteria provided, single submitter. Criteria: Ambry Variant Classification Scheme 2023. Collection method: clinical testing. Allele origin: germline.
Comment: The p.R123Q variant (also known as c.368G>A), located in coding exon 5 of the MED23 gene, results from a G to A substitution at nucleotide position 368. The arginine at codon 123 is replaced by glutamine, an amino acid with highly similar properties. This amino acid position is highly conserved in available vertebrate species; however, glutamine is the reference amino acid in other vertebrate species. In addition, the in silico prediction for this alteration is inconclusive. Since supporting evidence is limited at this time, the clinical significance of this alteration remains unclear.

Breakthrough Genomics
Classification: Uncertain significance. Review status: criteria provided, single submitter. Criteria: ACMG Guidelines, 2015. Collection method: not provided. Allele origin: germline. Inheritance: Autosomal recessive inheritance. Affected: yes.

NM_004830.4(MED23):c.368G>A (p.Arg123Gln)

Gene: MED23 (mediator complex subunit 23; minus strand). Cytogenetic location: 6q23.2.
Variant type: single nucleotide variant.
Coding change: c.368G>A on transcript NM_004830.4 (MANE Select); coding-DNA position 368, G replaced by A.
Protein change: p.Arg123Gln; replaces arginine 123 with glutamine.
Molecular consequence: missense variant.
Genome position (GRCh38, 1-based): chr6:131,623,379, C>T on the plus strand (G>A on the coding strand, the complement: MED23 is on the minus strand). VCF-style: chr6-131623379-C-T. GRCh37 (hg19) VCF-style: chr6-131944519-C-T.
Other names: c.368G>A, p.Arg123Gln (NM_001270521.2, NM_001270522.2, NM_001376517.1 and 7 more transcripts); c.296G>A, p.Arg99Gln (NM_001376518.1); short protein forms R123Q, R99Q.
Identifiers: ClinVar variation 1337228 (VCV001337228.7), dbSNP rs145843297, ClinGen allele CA4000275.